The following is an entry in ClinVar:

ClinVar aggregate classification (germline): Uncertain significance (1 of 4 stars; one submission).

Conditions:
GLI3-related disorder. Also called: GLI3-related condition; GLI3-related disorders. Identifiers: MedGen CN239292.

Submission:

PreventionGenetics, part of Exact Sciences
Classification: Uncertain significance for GLI3-related condition. Last evaluated: 2023-09-27. Review status: criteria provided, single submitter. Criteria: ACMG Guidelines, 2015. Collection method: clinical testing. Allele origin: germline.
Comment: The GLI3 c.4168G>A variant is predicted to result in the amino acid substitution p.Gly1390Arg. To our knowledge, this variant has not been reported in the literature or in a large population database, indicating this variant is rare. At this time, the clinical significance of this variant is uncertain due to the absence of conclusive functional and genetic evidence.

NM_000168.6(GLI3):c.4168G>A (p.Gly1390Arg)

Gene: GLI3 (GLI family zinc finger 3; minus strand). Cytogenetic location: 7p14.1.
Variant type: single nucleotide variant.
Coding change: c.4168G>A on transcript NM_000168.6 (MANE Select); coding-DNA position 4168, G replaced by A.
Protein change: p.Gly1390Arg; replaces glycine 1390 with arginine.
Molecular consequence: missense variant.
Genome position (GRCh38, 1-based): chr7:41,964,905, C>T on the plus strand (G>A on the coding strand, the complement: GLI3 is on the minus strand). VCF-style: chr7-41964905-C-T. GRCh37 (hg19) VCF-style: chr7-42004503-C-T.
Other names: short protein forms G1390R.
Identifiers: ClinVar variation 2633909 (VCV002633909.1), dbSNP rs142696576, ClinGen allele CA367315618.